The following is an entry in ClinVar:

NM_000179.3(MSH6):c.3136G>C (p.Asp1046His)

Gene: MSH6 (mutS homolog 6; plus strand). Cytogenetic location: 2p16.3.
Variant type: single nucleotide variant.
Coding change: c.3136G>C on transcript NM_000179.3 (MANE Select); coding-DNA position 3136, G replaced by C.
Protein change: p.Asp1046His; replaces aspartic acid 1046 with histidine.
Molecular consequence: missense variant. On other transcripts: non-coding transcript variant (5), intron variant (2).
Genome position (GRCh38, 1-based): chr2:47,801,119, G>C. VCF-style: chr2-47801119-G-C. GRCh37 (hg19) VCF-style: chr2-48028258-G-C.
Other names: c.2746G>C, p.Asp916His (NM_001281492.2); c.2230G>C, p.Asp744His (NM_001281493.2, NM_001281494.2, NM_001406811.1 and 6 more transcripts); c.3232G>C, p.Asp1078His (NM_001406795.1, NM_001406802.1); c.3136G>C, p.Asp1046His (NM_001406796.1, NM_001406798.1, NM_001406800.1 and 2 more transcripts); c.2839G>C, p.Asp947His (NM_001406797.1, NM_001406801.1, NM_001406805.1 and 10 more transcripts); c.2611G>C, p.Asp871His (NM_001406799.1, NM_001406806.1, NM_001406807.1); c.3058G>C, p.Asp1020His (NM_001406804.1); c.3142G>C, p.Asp1048His (NM_001406813.1); and 4 more; short protein forms D1046H, D744H, D871H, D916H, D1020H, D361H, D947H, D1078H.
Identifiers: ClinVar variation 4658301 (VCV004658301.1).
Genomic context (GRCh38, chr2:47,801,119, plus strand): 5'-GATGTATCATTGAAGGACTGCATGCGGCGACTGTTCTATAACTTTGATAAAAATTACAAG[G>C]ACTGGCAGTCTGCTGTAGAGTGTATCGCAGTGTTGGGTAAGACTTTGAACAAGCTTGTTC-3'
Protein context (NP_000170.1, residues 1036-1056): LFYNFDKNYK[Asp1046His]WQSAVECIAV

ClinVar aggregate classification (germline): Uncertain significance (1 of 4 stars; one submission).

Conditions:
Hereditary cancer-predisposing syndrome. Also called: Neoplastic Syndromes, Hereditary; Tumor predisposition; Hereditary Cancer Syndrome; Hereditary neoplastic syndrome. Identifiers: Orphanet 140162, MedGen C0027672, MeSH D009386, MONDO:0015356.

Submission:

Ambry Genetics
Classification: Uncertain significance for Hereditary cancer-predisposing syndrome. Last evaluated: 2025-11-30. Review status: criteria provided, single submitter. Criteria: Ambry Variant Classification Scheme 2023. Collection method: clinical testing. Allele origin: germline.
Comment: The p.D1046H variant (also known as c.3136G>C), located in coding exon 4 of the MSH6 gene, results from a G to C substitution at nucleotide position 3136. The aspartic acid at codon 1046 is replaced by histidine, an amino acid with similar properties. This amino acid position is conserved. In addition, the in silico prediction for this alteration is inconclusive. Based on the available evidence, the clinical significance of this variant remains unclear.